The following is an entry in ClinVar:

ClinVar aggregate classification (germline): Conflicting classifications of pathogenicity. Review status: criteria provided, conflicting classifications (1 of 4 stars). 4 submissions from 4 submitters: Uncertain significance (1); Likely benign (2). 1 of the submissions does not count toward it. Last evaluated 2026-06-18.

Conditions:
PCNT-related disorder. Also called: PCNT-related condition.

Allele frequency attached by ClinVar (database versions not stated): gnomAD exomes 0.00004 and 0.00012; 1000 Genomes Project 30x 0.00016; gnomAD 0.00029 and 0.00030; ESP Exome Variant Server 0.00008; ExAC 0.00012; TOPMed 0.00045; 1000 Genomes Project 0.00020.
gnomAD v4.1: 112 of 1,614,148 alleles (0.0069%); highest among the groups gnomAD compares: African/African-American, 0.097%; no homozygotes.

Submissions (4):

Women's Health and Genetics/Laboratory Corporation of America, LabCorp
Classification: Uncertain significance. Last evaluated: 2026-06-18. Review status: criteria provided, single submitter. Criteria: LabCorp Variant Classification Summary - May 2015. Collection method: clinical testing. Allele origin: germline.
Comment: Variant summary: PCNT c.3647C>T (p.Pro1216Leu) results in a non-conservative amino acid change in the encoded protein sequence. Algorithms developed to predict the effect of missense changes on protein structure and function are either unavailable or do not agree on the potential impact of this missense change. The variant allele was found at a frequency of 0.00012 in 251462 control chromosomes. This frequency is not significantly higher than estimated for disease-causing variants in PCNT, allowing no conclusion about variant significance. To our knowledge, no occurrence of c.3647C>T in individuals affected with PCNT-related conditions and no experimental evidence demonstrating its impact on protein function have been reported. ClinVar contains an entry for this variant (Variation ID: 383958). Based on the evidence outlined above, the variant was classified as uncertain significance.

GeneDx
Classification: Likely benign. Last evaluated: 2016-02-17. Review status: criteria provided, single submitter. Criteria: GeneDx Variant Classification (06012015). Collection method: clinical testing. Allele origin: germline. Affected: yes.
Comment: This variant is considered likely benign or benign based on one or more of the following criteria: it is a conservative change, it occurs at a poorly conserved position in the protein, it is predicted to be benign by multiple in silico algorithms, and/or has population frequency not consistent with disease.

Breakthrough Genomics
Classification: Likely benign. Review status: criteria provided, single submitter. Criteria: ACMG Guidelines, 2015. Collection method: not provided. Allele origin: germline. Inheritance: Autosomal recessive inheritance. Affected: yes.

PreventionGenetics, part of Exact Sciences
Classification: Likely benign for PCNT-related condition. Last evaluated: 2021-11-05. Review status: no assertion criteria provided. Collection method: clinical testing. Allele origin: germline. Not counted in ClinVar's aggregate classification.
Comment: This variant is classified as likely benign based on ACMG/AMP sequence variant interpretation guidelines (Richards et al. 2015 PMID: 25741868, with internal and published modifications).

NM_006031.6(PCNT):c.3647C>T (p.Pro1216Leu)

Gene: PCNT (pericentrin; plus strand). Cytogenetic location: 21q22.3.
Variant type: single nucleotide variant.
Coding change: c.3647C>T on transcript NM_006031.6 (MANE Select); coding-DNA position 3647, C replaced by T.
Protein change: p.Pro1216Leu; replaces proline 1216 with leucine.
Molecular consequence: missense variant.
Genome position (GRCh38, 1-based): chr21:46,389,238, C>T. VCF-style: chr21-46389238-C-T. GRCh37 (hg19) VCF-style: chr21-47809153-C-T.
Other names: c.3293C>T, p.Pro1098Leu (NM_001315529.2); short protein forms P1216L, P1098L.
Identifiers: ClinVar variation 383958 (VCV000383958.5), dbSNP rs200670500, ClinGen allele CA10079408.